The following is an entry in ClinVar:

NM_006231.4(POLE):c.968C>A (p.Thr323Asn)

Gene: POLE (DNA polymerase epsilon, catalytic subunit; minus strand). Cytogenetic location: 12q24.33.
Variant type: single nucleotide variant.
Coding change: c.968C>A on transcript NM_006231.4 (MANE Select); coding-DNA position 968, C replaced by A.
Protein change: p.Thr323Asn; replaces threonine 323 with asparagine.
Molecular consequence: missense variant.
Genome position (GRCh38, 1-based): chr12:132,676,146, G>T on the plus strand (C>A on the coding strand, the complement: POLE is on the minus strand). VCF-style: chr12-132676146-G-T. GRCh37 (hg19) VCF-style: chr12-133252732-G-T.
Other names: c.968C>A (NM_006231.2); short protein forms T323N.
Identifiers: ClinVar variation 1505483 (VCV001505483.10), dbSNP rs1060500873, ClinGen allele CA387363698.

ClinVar aggregate classification (germline): Uncertain significance. Review status: criteria provided, multiple submitters, no conflicts (2 of 4 stars). 3 submissions from 3 submitters: Uncertain significance (3). Last evaluated 2024-10-24.

Conditions:
Hereditary cancer-predisposing syndrome. Also called: Hereditary neoplastic syndrome; Tumor predisposition; Neoplastic Syndromes, Hereditary; Hereditary Cancer Syndrome. Identifiers: Orphanet 140162, MedGen C0027672, MeSH D009386, MONDO:0015356.
Colorectal cancer, susceptibility to, 12 (CRCS12). Also called: COLORECTAL CANCER, SUSCEPTIBILITY TO, ON CHROMOSOME 12q24. Identifiers: Orphanet 220460, MedGen C3554460, MONDO:0014038, OMIM 615083.

Submissions (3):

Labcorp Genetics (formerly Invitae), Labcorp
Classification: Uncertain significance. Last evaluated: 2024-10-24. Review status: criteria provided, single submitter. Criteria: Invitae Variant Classification Sherloc (09022015). Collection method: clinical testing. Allele origin: germline.
Comment: This sequence change replaces threonine, which is neutral and polar, with asparagine, which is neutral and polar, at codon 323 of the POLE protein (p.Thr323Asn). This variant is not present in population databases (gnomAD no frequency). This variant has not been reported in the literature in individuals affected with POLE-related conditions. ClinVar contains an entry for this variant (Variation ID: 1505483). Invitae Evidence Modeling of protein sequence and biophysical properties (such as structural, functional, and spatial information, amino acid conservation, physicochemical variation, residue mobility, and thermodynamic stability) indicates that this missense variant is not expected to disrupt POLE protein function with a negative predictive value of 80%. In summary, the available evidence is currently insufficient to determine the role of this variant in disease. Therefore, it has been classified as a Variant of Uncertain Significance.

Ambry Genetics
Classification: Uncertain significance for Hereditary cancer-predisposing syndrome. Last evaluated: 2024-06-17. Review status: criteria provided, single submitter. Criteria: Ambry Variant Classification Scheme 2023. Collection method: clinical testing. Allele origin: germline.
Comment: The p.T323N variant (also known as c.968C>A), located in coding exon 10 of the POLE gene, results from a C to A substitution at nucleotide position 968. The threonine at codon 323 is replaced by asparagine, an amino acid with similar properties. This amino acid position is highly conserved in available vertebrate species. In addition, this alteration is predicted to be tolerated by in silico analysis. Based on the available evidence, the clinical significance of this variant remains unclear.

Baylor Genetics
Classification: Uncertain significance for Colorectal cancer, susceptibility to, 12. Last evaluated: 2023-12-14. Review status: criteria provided, single submitter. Criteria: ACMG Guidelines, 2015. Collection method: clinical testing. Allele origin: unknown.